The following is an entry in ClinVar:

NM_001904.4(CTNNB1):c.1574C>T (p.Ala525Val)

Genes: CTNNB1 (catenin beta 1; plus strand), LOC126806659 (BRD4-independent group 4 enhancer GRCh37_chr3:41274918-41276117; plus strand). Cytogenetic location: 3p22.1.
Variant type: single nucleotide variant.
Coding change: c.1574C>T on transcript NM_001904.4 (MANE Select); coding-DNA position 1574, C replaced by T.
Protein change: p.Ala525Val; replaces alanine 525 with valine.
Molecular consequence: missense variant.
Genome position (GRCh38, 1-based): chr3:41,234,188, C>T. VCF-style: chr3-41234188-C-T. GRCh37 (hg19) VCF-style: chr3-41275679-C-T.
Other names: c.1574C>T (NM_001904.3); c.1574C>T, p.Ala525Val (NM_001098209.2, NM_001098210.2); c.1553C>T, p.Ala518Val (NM_001330729.2); short protein forms A525V, A518V.
Identifiers: ClinVar variation 1911769 (VCV001911769.6), dbSNP rs973577793, ClinGen allele CA74095169.
Genomic context (GRCh38, chr3:41,234,188, plus strand): 5'-CTGTTTTTCAGGCTACTGTTGGATTGATTCGAAATCTTGCCCTTTGTCCCGCAAATCATG[C>T]ACCTTTGCGTGAGCAGGGTGCCATTCCACGACTAGTTCAGTTGCTTGTTCGTGCACATCA-3'
Protein context (NP_001895.1, residues 515-535): RNLALCPANH[Ala525Val]PLREQGAIPR

ClinVar aggregate classification (germline): Uncertain significance. Review status: criteria provided, multiple submitters, no conflicts (2 of 4 stars). 2 submissions from 2 submitters: Uncertain significance (2). Last evaluated 2024-11-10.

Conditions:
Inborn genetic diseases. Identifiers: MedGen C0950123, MeSH D030342.

Allele frequency attached by ClinVar (database versions not stated): gnomAD 0.00001; gnomAD exomes 0.00001; TOPMed 0.00002.
gnomAD v4.1: 14 of 1,614,092 alleles (0.00087%); highest among the groups gnomAD compares: Non-Finnish European, 0.00093%; no homozygotes.

Submissions (2):

Ambry Genetics
Classification: Uncertain significance for Inborn genetic diseases. Last evaluated: 2024-11-10. Review status: criteria provided, single submitter. Criteria: Ambry Variant Classification Scheme 2023. Collection method: clinical testing. Allele origin: germline.

Labcorp Genetics (formerly Invitae), Labcorp
Classification: Uncertain significance. Last evaluated: 2023-08-10. Review status: criteria provided, single submitter. Criteria: Invitae Variant Classification Sherloc (09022015). Collection method: clinical testing. Allele origin: germline.
Comment: This sequence change replaces alanine, which is neutral and non-polar, with valine, which is neutral and non-polar, at codon 525 of the CTNNB1 protein (p.Ala525Val). This variant is not present in population databases (gnomAD no frequency). This variant has not been reported in the literature in individuals affected with CTNNB1-related conditions. ClinVar contains an entry for this variant (Variation ID: 1911769). Advanced modeling of protein sequence and biophysical properties (such as structural, functional, and spatial information, amino acid conservation, physicochemical variation, residue mobility, and thermodynamic stability) performed at Invitae indicates that this missense variant is not expected to disrupt CTNNB1 protein function. In summary, the available evidence is currently insufficient to determine the role of this variant in disease. Therefore, it has been classified as a Variant of Uncertain Significance.